The following is an entry in ClinVar:

ClinVar aggregate classification (germline): Uncertain significance (1 of 4 stars; one submission).

Conditions:
Atrial standstill 1 (ATRST1). Also called: CARDIOMYOPATHY, FAMILIAL, WITH CONDUCTION DISTURBANCE; ATRIAL CARDIOMYOPATHY WITH HEART BLOCK; Atrial standstill, digenic (GJA5/SCN5A). Identifiers: Orphanet 1344, MedGen C4551959, MONDO:0007171, OMIM 108770.
Atrial fibrillation, familial, 11 (ATFB11). Identifiers: MedGen C3279693, MONDO:0013544, OMIM 614049.

Submission:

Labcorp Genetics (formerly Invitae), Labcorp
Classification: Uncertain significance for Atrial fibrillation, familial, 11; Atrial standstill 1. Last evaluated: 2020-12-03. Review status: criteria provided, single submitter. Criteria: Invitae Variant Classification Sherloc (09022015). Collection method: clinical testing. Allele origin: germline.
Comment: In summary, the available evidence is currently insufficient to determine the role of this variant in disease. Therefore, it has been classified as a Variant of Uncertain Significance. Algorithms developed to predict the effect of missense changes on protein structure and function are either unavailable or do not agree on the potential impact of this missense change (SIFT: "Not Available"; PolyPhen-2: "Benign"; Align-GVGD: "Not Available"). This variant has not been reported in the literature in individuals with GJA5-related conditions. This variant is not present in population databases (ExAC no frequency). This sequence change replaces valine with aspartic acid at codon 184 of the GJA5 protein (p.Val184Asp). The valine residue is moderately conserved and there is a large physicochemical difference between valine and aspartic acid.

NM_181703.4(GJA5):c.551T>A (p.Val184Asp)

Gene: GJA5 (gap junction protein alpha 5; minus strand). Cytogenetic location: 1q21.2.
Variant type: single nucleotide variant.
Coding change: c.551T>A on transcript NM_181703.4 (MANE Select); coding-DNA position 551, T replaced by A.
Protein change: p.Val184Asp; replaces valine 184 with aspartic acid.
Molecular consequence: missense variant.
Genome position (GRCh38, 1-based): chr1:147,758,688, A>T on the plus strand (T>A on the coding strand, the complement: GJA5 is on the minus strand). VCF-style: chr1-147758688-A-T. GRCh37 (hg19) VCF-style: chr1-147230796-A-T.
Other names: c.551T>A, p.Val184Asp (NM_005266.7); short protein forms V184D.
Identifiers: ClinVar variation 1490722 (VCV001490722.6), dbSNP rs2148959108, ClinGen allele CA342395688.